The following is an entry in ClinVar:

NM_001312909.2(FAM111A):c.738T>C (p.Asn246=)

Gene: FAM111A (FAM111 trypsin like peptidase A; plus strand). Cytogenetic location: 11q12.1.
Variant type: single nucleotide variant.
Coding change: c.738T>C on transcript NM_001312909.2 (MANE Select); coding-DNA position 738, T replaced by C.
Protein change: p.Asn246=; no amino-acid change (asparagine 246 retained).
Molecular consequence: synonymous variant.
Genome position (GRCh38, 1-based): chr11:59,152,406, T>C. VCF-style: chr11-59152406-T-C. GRCh37 (hg19) VCF-style: chr11-58919879-T-C.
Other names: c.738T>C, p.Asn246= (NM_001142519.3, NM_001142520.3, NM_001142521.3 and 29 more transcripts).
Identifiers: ClinVar variation 711046 (VCV000711046.14), dbSNP rs144151093, ClinGen allele CA6016634.

ClinVar aggregate classification (germline): Benign/Likely benign. Review status: criteria provided, multiple submitters, no conflicts (2 of 4 stars). 4 submissions from 4 submitters: Benign (1); Likely benign (2). 1 of the submissions does not count toward it. Last evaluated 2026-06-01.

Conditions:
FAM111A-related disorder. Also called: FAM111A-related condition.

Allele frequency attached by ClinVar (database versions not stated): 1000 Genomes Project 30x 0.00031; 1000 Genomes Project 0.00040; ExAC 0.00058; gnomAD exomes 0.00059 and 0.00062; gnomAD 0.00083 and 0.00084; ESP Exome Variant Server 0.00085; TOPMed 0.00106.

Submissions (4):

CeGaT Center for Human Genetics Tuebingen
Classification: Likely benign. Last evaluated: 2026-06-01. Review status: criteria provided, single submitter. Criteria: CeGaT Center For Human Genetics Tuebingen Variant Classification Criteria Version 2. Collection method: clinical testing. Allele origin: germline. Affected: yes. Observed: 1 variant allele.
Comment: FAM111A: BP4, BP7

Labcorp Genetics (formerly Invitae), Labcorp
Classification: Benign. Last evaluated: 2026-01-05. Review status: criteria provided, single submitter. Criteria: Invitae Variant Classification Sherloc (09022015). Collection method: clinical testing. Allele origin: germline.

Blueprint Genetics
Classification: Likely benign. Last evaluated: 2024-11-23. Review status: criteria provided, single submitter. Criteria: ACMG Guidelines, 2015. Collection method: clinical testing. Allele origin: germline.

PreventionGenetics, part of Exact Sciences
Classification: Likely benign for FAM111A-related condition. Last evaluated: 2019-08-26. Review status: no assertion criteria provided. Collection method: clinical testing. Allele origin: germline. Not counted in ClinVar's aggregate classification.
Comment: This variant is classified as likely benign based on ACMG/AMP sequence variant interpretation guidelines (Richards et al. 2015 PMID: 25741868, with internal and published modifications).